The following is an entry in ClinVar:

NC_012920.1(MT-TT):m.15890C>T

Gene: MT-TT (mitochondrially encoded tRNA threonine; plus strand).
Variant type: single nucleotide variant.
Genome position: chrM-15890-C-T.
Identifiers: ClinVar variation 690214 (VCV000690214.1), dbSNP rs527236196, ClinGen allele CA913175126.

ClinVar aggregate classification (germline): Uncertain significance (1 of 4 stars; one submission).

Conditions:
MELAS syndrome (MELAS). Also called: Juvenile myopathy, encephalopathy, lactic acidosis, stroke. Identifiers: Orphanet 550, MedGen C0162671, MONDO:0010789, OMIM 540000.

Submission:

Wong Mito Lab, Molecular and Human Genetics, Baylor College of Medicine
Classification: Uncertain significance for MELAS syndrome. Last evaluated: 2019-07-12. Review status: criteria provided, single submitter. Criteria: Modified ACMG Guidelines (Unpublished). Collection method: clinical testing. Allele origin: germline.
Comment: The NC_012920.1:m.15890C>T variant in MT-TT gene is interpreted to be a Unknown Significance variant based on the modified ACMG guidelines (unpublished). This variant meets the following evidence codes reported in the guidelines: PP3, PP6, PP7

Literature cited by the submitters: PubMed 31965079.